The following is an entry in ClinVar:

NM_002691.4(POLD1):c.1977C>T (p.Ile659=)

Gene: POLD1 (DNA polymerase delta 1, catalytic subunit; plus strand). Cytogenetic location: 19q13.33.
Variant type: single nucleotide variant.
Coding change: c.1977C>T on transcript NM_002691.4 (MANE Select); coding-DNA position 1977, C replaced by T.
Protein change: p.Ile659=; no amino-acid change (isoleucine 659 retained).
Molecular consequence: synonymous variant. On other transcripts: non-coding transcript variant (1).
Genome position (GRCh38, 1-based): chr19:50,409,206, C>T. VCF-style: chr19-50409206-C-T. GRCh37 (hg19) VCF-style: chr19-50912463-C-T.
Other names: c.1977C>T, p.Ile659= (NM_001256849.1); c.2055C>T, p.Ile685= (NM_001308632.1).
Identifiers: ClinVar variation 221165 (VCV000221165.86), dbSNP rs45605236, ClinGen allele CA349553.

ClinVar aggregate classification (germline): Benign/Likely benign. Review status: criteria provided, multiple submitters, no conflicts (2 of 4 stars). 20 submissions from 20 submitters: Benign (11); Likely benign (4). 5 of the submissions do not count toward it. Last evaluated 2026-09-01.

Conditions:
Polymerase proofreading-related adenomatous polyposis. Also called: Polymerase proofreading associated polyposis; Polymerase proofreading–associated polyposis (PPAP). Identifiers: Orphanet 447877, MedGen C5202613, MONDO:0018653.
POLD1-related polyposis and colorectal cancer syndrome (CRCS10). Also called: Colorectal cancer 10; COLORECTAL CANCER, SUSCEPTIBILITY TO, ON CHROMOSOME 19q; Colorectal cancer, susceptibility to, 10. Identifiers: Orphanet 220460, MedGen C2675481, MONDO:0012953, OMIM 612591.
Hereditary cancer-predisposing syndrome. Also called: Neoplastic Syndromes, Hereditary; Tumor predisposition; Hereditary Cancer Syndrome; Hereditary neoplastic syndrome. Identifiers: Orphanet 140162, MedGen C0027672, MeSH D009386, MONDO:0015356.

Allele frequency attached by ClinVar (database versions not stated): ESP Exome Variant Server 0.00154; 1000 Genomes Project 0.00200; ExAC 0.00242; 1000 Genomes Project 30x 0.00250; gnomAD exomes 0.00251; gnomAD 0.00281 and 0.00290; TOPMed 0.00307.
gnomAD v4.1: 5,768 of 1,612,682 alleles (0.36%); highest among the groups gnomAD compares: Admixed American, 0.48%; 23 homozygotes.

Submissions (20):

CeGaT Center for Human Genetics Tuebingen
Classification: Likely benign. Last evaluated: 2026-09-01. Review status: criteria provided, single submitter. Criteria: CeGaT Center For Human Genetics Tuebingen Variant Classification Criteria Version 2. Collection method: clinical testing. Allele origin: germline. Affected: yes. Observed: 37 variant alleles.
Comment: POLD1: BP4, BS2

Labcorp Genetics (formerly Invitae), Labcorp
Classification: Benign for POLD1-related polyposis and colorectal cancer syndrome. Last evaluated: 2026-02-04. Review status: criteria provided, single submitter. Criteria: Invitae Variant Classification Sherloc (09022015). Collection method: clinical testing. Allele origin: germline.

ARUP Laboratories, Molecular Genetics and Genomics, ARUP Laboratories
Classification: Benign. Last evaluated: 2025-06-03. Review status: criteria provided, single submitter. Criteria: ARUP Molecular Germline Variant Investigation Process 2024. Collection method: clinical testing. Allele origin: germline.

Center for Genomic Medicine, Rigshospitalet, Copenhagen University Hospital
Classification: Likely benign. Last evaluated: 2025-03-04. Review status: criteria provided, single submitter. Criteria: ACMG Guidelines, 2015. Collection method: clinical testing. Allele origin: germline.

Institute for Biomarker Research, Medical Diagnostic Laboratories, L.L.C.
Classification: Benign for Hereditary cancer-predisposing syndrome. Last evaluated: 2025-02-06. Review status: criteria provided, single submitter. Criteria: ACMG Guidelines, 2015. Collection method: clinical testing. Allele origin: germline.
Comment: The synonymous variant NM_001308632.1(POLD1):c.2055C>T (p.Ile685=) has been reported to ClinVar as Benign/Likely benign with a status of (2 stars) criteria provided, multiple submitters, no conflicts (Variation ID 221165 as of 2025-01-02). The p.Ile685= variant is observed in 10/5,008 (0.1997%) alleles from individuals of 1kG All background in 1kG, which is greater than expected for the disorder. The p.Ile685= variant is not predicted to disrupt an existing splice site. For these reasons, this variant has been classified as Benign.

Blueprint Genetics
Classification: Likely benign. Last evaluated: 2024-11-13. Review status: criteria provided, single submitter. Criteria: ACMG Guidelines, 2015. Collection method: clinical testing. Allele origin: germline.

Genetic Services Laboratory, University of Chicago
Classification: Benign. Last evaluated: 2021-05-25. Review status: criteria provided, single submitter. Criteria: ACMG Guidelines, 2015. Collection method: clinical testing. Allele origin: germline. Affected: no.

Sema4
Classification: Benign for Hereditary cancer-predisposing syndrome. Last evaluated: 2020-02-24. Review status: criteria provided, single submitter. Criteria: Sema4 Curation Guidelines. Collection method: curation. Allele origin: germline.

Eurofins Ntd Llc (ga)
Classification: Benign. Last evaluated: 2018-04-03. Review status: criteria provided, single submitter. Criteria: EGL ClinVar v180209 classification definitions. Collection method: clinical testing. Allele origin: germline. Observed: 1 variant allele, 1 heterozygote.

PreventionGenetics, part of Exact Sciences
Classification: Benign. Last evaluated: 2016-12-30. Review status: criteria provided, single submitter. Criteria: ACMG Guidelines, 2015. Collection method: clinical testing. Allele origin: germline.

Quest Diagnostics Nichols Institute San Juan Capistrano
Classification: Benign. Last evaluated: 2016-12-21. Review status: criteria provided, single submitter. Criteria: Quest Diagnostics criteria. Collection method: clinical testing. Allele origin: unknown.

Women's Health and Genetics/Laboratory Corporation of America, LabCorp
Classification: Benign. Last evaluated: 2016-08-26. Review status: criteria provided, single submitter. Criteria: LabCorp Variant Classification Summary - May 2015. Collection method: clinical testing. Allele origin: germline.
Comment: Variant summary: The POLD1 c.1977C>T (p.Ile659Ile) variant involves the alteration of a conserved nucleotide, resulting in a synonymous change. 5/5 splice prediction tools predict no significant impact on normal splicing. This variant was found in 288/119080 control chromosomes (1 homozygote) at a frequency of 0.0024185, which is approximately 170 times the estimated maximal expected allele frequency of a pathogenic POLD1 variant (0.0000142), suggesting this variant is likely a benign polymorphism. In addition, one clinical diagnostic laboratory in ClinVar has classified this variant as benign. The variant of interest has not been reported in affected individuals via publications, to our knowledge. Taken together, this variant is classified as Benign.

GeneDx
Classification: Benign. Last evaluated: 2016-05-25. Review status: criteria provided, single submitter. Criteria: GeneDx Variant Classification (06012015). Collection method: clinical testing. Allele origin: germline. Affected: yes.
Comment: This variant is considered likely benign or benign based on one or more of the following criteria: it is a conservative change, it occurs at a poorly conserved position in the protein, it is predicted to be benign by multiple in silico algorithms, and/or has population frequency not consistent with disease.

Ambry Genetics
Classification: Benign for Hereditary cancer-predisposing syndrome. Last evaluated: 2015-05-21. Review status: criteria provided, single submitter. Criteria: Ambry Variant Classification Scheme 2023. Collection method: clinical testing. Allele origin: germline.

Breakthrough Genomics
Classification: Likely benign. Review status: criteria provided, single submitter. Criteria: ACMG Guidelines, 2015. Collection method: not provided. Allele origin: germline. Inheritance: Autosomal dominant inheritance. Affected: yes.

True Health Diagnostics
Classification: Likely benign for Hereditary cancer-predisposing syndrome. Last evaluated: 2017-12-01. Review status: no assertion criteria provided. Collection method: clinical testing. Allele origin: germline. Not counted in ClinVar's aggregate classification.

Clinical Genetics, Academic Medical Center
Classification: Benign. Review status: no assertion criteria provided. Collection method: clinical testing. Allele origin: germline. Affected: yes. Study: VKGL Data-share Consensus. Not counted in ClinVar's aggregate classification.

Department of Pathology and Laboratory Medicine, Sinai Health System
Classification: Likely benign for Polymerase proofreading-related adenomatous polyposis. Review status: no assertion criteria provided. Collection method: clinical testing. Allele origin: unknown. Affected: yes. Study: The Canadian Open Genetics Repository (COGR). Not counted in ClinVar's aggregate classification.
Comment: The POLD1 p.Ile659= variant was not identified in the literature nor was it identified in the Cosmic or MutDB databases. The variant was identified in dbSNP (ID: rs45605236) â€šÃ„ÃºWith other alleleâ€šÃ„Ã¹, ClinVar (classified benign by Invitae, GeneDx, Ambry Genetics and Quest Diagnostics Nichols Institute San Juan Capistrano, and likely benign by Genetic Services Laboratory (University of Chicago)), Clinvitae (3x), and in control databases in 683 (1 homozygous) of 276786 chromosomes at a frequency of 0.002 increasing the likelihood this could be a low frequency benign variant (Genome Aggregation Database Feb 27, 2017). Breakdown of the observations by population include African in 25 of 23988 chromosomes (freq: 0.001), Other in 13 of 6462 chromosomes (freq: 0.002), Latino in 127 (1 homozygous) of 34414 chromosomes (freq: 0.004), European Non-Finnish in 481 of 126400 chromosomes (freq: 0.004), Ashkenazi Jewish in 24 of 10134 chromosomes (freq: 0.002), European Finnish in 12 of 25748 chromosomes (freq: 0.0005), and South Asian in 1 of 30776 chromosomes (freq: 0.00003) while not observed in the East Asian population. The p.Ile659= variant is not expected to have clinical significance because it does not result in a change of amino acid and is not located in a known consensus splice site. In addition, in silico or computational prediction software programs (SpliceSiteFinder, MaxEntScan, NNSPLICE, GeneSplicer, HumanSpliceFinder) do not predict a difference in splicing. In summary, based on the above information the clinical significance of this variant cannot be determined with certainty at this time although we would lean towards a more benign role for this variant. This variant is classified as likely benign.

Diagnostic Laboratory, Department of Genetics, University Medical Center Groningen
Classification: Likely benign for POLD1-related polyposis and colorectal cancer syndrome. Review status: no assertion criteria provided. Collection method: clinical testing. Allele origin: germline. Affected: yes. Study: VKGL Data-share Consensus. Not counted in ClinVar's aggregate classification.

Genome Diagnostics Laboratory, Amsterdam University Medical Center
Classification: Benign. Review status: no assertion criteria provided. Collection method: clinical testing. Allele origin: germline. Affected: yes. Study: VKGL Data-share Consensus. Not counted in ClinVar's aggregate classification.